The following is an entry in ClinVar:

ClinVar aggregate classification (germline): Conflicting classifications of pathogenicity. Review status: criteria provided, conflicting classifications (1 of 4 stars). 7 submissions from 7 submitters: Uncertain significance (4); Benign (1); Likely benign (1). 1 of the submissions does not count toward it. Last evaluated 2026-07-06.

Conditions:
SMARCA4-related disorder. Also called: SMARCA4-related condition.
Hereditary cancer-predisposing syndrome. Also called: Hereditary Cancer Syndrome; Hereditary neoplastic syndrome; Neoplastic Syndromes, Hereditary; Tumor predisposition. Identifiers: Orphanet 140162, MedGen C0027672, MeSH D009386, MONDO:0015356.
Rhabdoid tumor predisposition syndrome 2 (RTPS2). Identifiers: Orphanet 231108, Orphanet 69077, MedGen C2750074, MONDO:0013224, OMIM 613325.

Submissions (7):

Myriad Genetics, Inc.
Classification: Likely benign for Rhabdoid tumor predisposition syndrome 2. Last evaluated: 2026-07-06. Review status: criteria provided, single submitter. Criteria: Myriad Autosomal Dominant, Autosomal Recessive and X-Linked Classification Criteria (2023). Collection method: clinical testing. Allele origin: unknown.
Comment: This variant is considered likely benign. This variant has been observed at a population frequency that is significantly greater than expected given the associated disease prevalence and penetrance.

Labcorp Genetics (formerly Invitae), Labcorp
Classification: Uncertain significance for Rhabdoid tumor predisposition syndrome 2. Last evaluated: 2026-02-03. Review status: criteria provided, single submitter. Criteria: Invitae Variant Classification Sherloc (09022015). Collection method: clinical testing. Allele origin: germline.
Comment: This variant, c.708_713dup, results in the insertion of 2 amino acid(s) of the SMARCA4 protein (p.Gly243_Pro244dup), but otherwise preserves the integrity of the reading frame. This variant is present in population databases (rs779361460, gnomAD 0.01%). This variant has not been reported in the literature in individuals affected with SMARCA4-related conditions. Experimental studies and prediction algorithms are not available or were not evaluated, and the functional significance of this variant is currently unknown. In summary, the available evidence is currently insufficient to determine the role of this variant in disease. Therefore, it has been classified as a Variant of Uncertain Significance.

Quest Diagnostics Nichols Institute San Juan Capistrano
Classification: Uncertain significance. Last evaluated: 2025-03-31. Review status: criteria provided, single submitter. Criteria: Quest Diagnostics criteria. Collection method: clinical testing. Allele origin: unknown.
Comment: The SMARCA4 c.708_713dup (p.Gly243_Pro244dup) variant has not been reported in individuals with SMARCA4-related conditions in the published literature. The frequency of this variant in the general population (Genome Aggregation Database) is higher than would generally be expected for pathogenic variants in this gene. Based on the available information, we are unable to determine the clinical significance of this variant.

GeneDx
Classification: Uncertain significance. Last evaluated: 2024-02-28. Review status: criteria provided, single submitter. Criteria: GeneDx Variant Classification Process June 2021. Collection method: clinical testing. Allele origin: germline.
Comment: In-frame insertion of 2 amino acids in a repeat region; Has not been previously published as pathogenic or benign to our knowledge

Sema4
Classification: Uncertain significance for Hereditary cancer-predisposing syndrome. Last evaluated: 2021-07-27. Review status: criteria provided, single submitter. Criteria: Sema4 Curation Guidelines. Collection method: curation. Allele origin: germline.
Comment: To the best of our knowledge, the SMARCA4 c.708_713dupTGGCCC (p.Gly243_Pro244dup) in-frame duplication has not been reported in individuals with SMARCA4-related disease. It was observed in 12/170684 chromosomes in the large and broad cohorts of the Genome Aggregation Database (PMID: 32461654). The variant has been reported in ClinVar (Variation ID: 408623). Functional studies and prediction algorithms are not available for this duplication, and the functional impact of this variant is unknown. The evidence is insufficient to meet ACMG/AMP criteria for classifying the variant as benign or pathogenic. Thus, the clinical significance of this variant is currently uncertain.

Ambry Genetics
Classification: Benign for Hereditary cancer-predisposing syndrome. Last evaluated: 2020-09-28. Review status: criteria provided, single submitter. Criteria: Ambry Variant Classification Scheme 2023. Collection method: clinical testing. Allele origin: germline.

PreventionGenetics, part of Exact Sciences
Classification: Likely benign for SMARCA4-related condition. Last evaluated: 2024-05-03. Review status: no assertion criteria provided. Collection method: clinical testing. Allele origin: germline. Not counted in ClinVar's aggregate classification.
Comment: This variant is classified as likely benign based on ACMG/AMP sequence variant interpretation guidelines (Richards et al. 2015 PMID: 25741868, with internal and published modifications).

NM_003072.5(SMARCA4):c.696TGGCCC[4] (p.229GP[9])

Gene: SMARCA4 (SWI/SNF related BAF chromatin remodeling complex subunit ATPase 4; plus strand). Cytogenetic location: 19p13.2.
Variant type: Microsatellite.
Coding change: c.696TGGCCC[4] on transcript NM_003072.5 (MANE Select); four copies in a row of the 6-base unit TGGCCC starting at c.696; the reference has three copies in a row; one copy, 6 bases duplicated.
Protein change: p.229GP[9].
Molecular consequence: inframe insertion. On other transcripts: non-coding transcript variant (1).
Genome position (GRCh38, 1-based): chr19:10,986,541-10,986,546, TGGCCC duplicated; duplicating any 6 consecutive bases within chr19:10,986,524-10,986,546 gives the same sequence; the position shown is the placement nearest the transcript's 3' end. VCF-style (leftmost placement, unchanged base first): chr19-10986523-C-CGGCCCT. GRCh37 (hg19) VCF-style: chr19-11097199-C-CGGCCCT.
Other names: c.708_713dup6 (NM_001128849.1); c.696TGGCCC[4], p.229GP[9] (NM_001128844.3, NM_001128845.2, NM_001128846.2 and 5 more transcripts).
Identifiers: ClinVar variation 408623 (VCV000408623.19), dbSNP rs372601826, ClinGen allele CA9203545.